The following is an entry in ClinVar:

NM_003718.5(CDK13):c.2854_2858del (p.Pro952fs)

Gene: CDK13 (cyclin dependent kinase 13; plus strand). Cytogenetic location: 7p14.1.
Variant type: Deletion.
Coding change: c.2854_2858del on transcript NM_003718.5 (MANE Select); coding-DNA positions 2854 to 2858, 5 bases deleted (CCAAA; older notation c.2854_2858delCCAAA).
Protein change: p.Pro952fs; shifts the reading frame from proline 952.
Molecular consequence: frameshift variant.
Genome position (GRCh38, 1-based): chr7:40,078,078-40,078,082, CCAAA deleted; deleting any 5 consecutive bases within chr7:40,078,075-40,078,082 gives the same sequence; the c. name uses the placement nearest the transcript's 3' end. VCF-style (leftmost placement, unchanged base first): chr7-40078074-GAAACC-G. GRCh37 (hg19) VCF-style: chr7-40117673-GAAACC-G.
Other names: c.2854_2858delCCAAA, p.Pro952Glufs (NM_031267.4); short protein forms P952fs.
Identifiers: ClinVar variation 3721620 (VCV003721620.2).

ClinVar aggregate classification (germline): Pathogenic (1 of 4 stars; one submission).

Submission:

Labcorp Genetics (formerly Invitae), Labcorp
Classification: Pathogenic. Last evaluated: 2025-11-03. Review status: criteria provided, single submitter. Criteria: Invitae Variant Classification Sherloc (09022015). Collection method: clinical testing. Allele origin: germline.
Comment: This sequence change creates a premature translational stop signal (p.Pro952Glufs*23) in the CDK13 gene. It is expected to result in an absent or disrupted protein product. Loss-of-function variants in CDK13 are known to be pathogenic (PMID: 27479907, 29021403, 29393965). This variant is not present in population databases (gnomAD no frequency). This variant has not been reported in the literature in individuals affected with CDK13-related conditions. ClinVar contains an entry for this variant (Variation ID: 3721620). For these reasons, this variant has been classified as Pathogenic.

Literature cited by the submitters: PubMed 27479907; PubMed 29021403; PubMed 29393965.